The following is an entry in ClinVar:

ClinVar aggregate classification (germline): Pathogenic (1 of 4 stars; one submission).

Conditions:
Familial dysautonomia. Also called: HSAN III; FD. Identifiers: Orphanet 1764, MedGen C0013364, MONDO:0009131, OMIM 223900. Disease mechanism: loss of function.

Submission:

Myriad Genetics, Inc.
Classification: Pathogenic for Familial dysautonomia. Last evaluated: 2025-06-15. Review status: criteria provided, single submitter. Criteria: Myriad Autosomal Dominant, Autosomal Recessive and X-Linked Classification Criteria (2023). Collection method: clinical testing. Allele origin: unknown.
Comment: NM_003640.3(ELP1):c.792delT(D264Efs*26) is expected to be pathogenic in the context of familial dysautonomia. This variant is predicted to lead to an abnormal or absent protein product due to the creation of a premature termination codon in ELP1, a gene where loss-of-function variants are known to be pathogenic. Please note: this variant was assessed in the context of healthy population screening.

NM_003640.5(ELP1):c.792del (p.Asp264fs)

Gene: ELP1 (elongator acetyltransferase complex subunit 1; minus strand). Cytogenetic location: 9q31.3.
Variant type: Deletion.
Coding change: c.792del on transcript NM_003640.5 (MANE Select); coding-DNA position 792, one base deleted (T; older notation c.792delT).
Protein change: p.Asp264fs; shifts the reading frame from aspartic acid 264.
Molecular consequence: frameshift variant. On other transcripts: 5 prime UTR variant (1).
Genome position (GRCh38, 1-based): chr9:108,917,619, A deleted on the plus strand (T on the coding strand, the reverse complement: ELP1 is on the minus strand). VCF-style (leftmost placement, unchanged base first): chr9-108917618-TA-T. GRCh37 (hg19) VCF-style: chr9-111679898-TA-T.
Other names: c.450del, p.Asp150fs (NM_001318360.2); c.-256del (NM_001330749.2); short protein forms D150fs, D264fs.
Identifiers: ClinVar variation 5014603 (VCV005014603.1).